The following is an entry in ClinVar:

NM_152564.5(VPS13B):c.581-9del

Gene: VPS13B (vacuolar protein sorting 13 homolog B; plus strand). Cytogenetic location: 8q22.2.
Variant type: Deletion.
Coding change: c.581-9del on transcript NM_152564.5 (MANE Select); 9 bases into the intron before coding-DNA position 581, one base deleted (T; older notation c.581-9delT).
Molecular consequence: intron variant.
Genome position (GRCh38, 1-based): chr8:99,111,089, T deleted; the last of 9 consecutive T bases (chr8:99,111,081-99,111,089); deleting any one gives the same sequence. VCF-style (leftmost placement, unchanged base first): chr8-99111080-GT-G. GRCh37 (hg19) VCF-style: chr8-100123308-GT-G.
Other names: NC_000008.10:g.100123317del; c.581-9del (NM_017890.5, NM_015243.3, NM_181661.3); c.581-9delT (NM_152564.4).
Identifiers: ClinVar variation 2198881 (VCV002198881.6), dbSNP rs60664170, ClinGen allele CA4822432.

ClinVar aggregate classification (germline): Benign/Likely benign. Review status: criteria provided, multiple submitters, no conflicts (2 of 4 stars). 2 submissions from 2 submitters: Benign (1); Likely benign (1). Last evaluated 2026-08-20.

Conditions:
VPS13B-related disorder. Also called: VPS13B-related condition.
Cohen syndrome (COH1). Also called: PEPPER SYNDROME; Cutis verticis gyrata, retinitis pigmentosa, and sensorineural deafness. Identifiers: Orphanet 193, MedGen C0265223, MONDO:0008999, OMIM 216550.

Submissions (3):

PreventionGenetics, part of Exact Sciences
Classification: Likely benign for VPS13B-related condition. Last evaluated: 2026-08-20. Review status: criteria provided, single submitter. Criteria: ACMG Guidelines, 2015. Collection method: clinical testing. Allele origin: germline.
Comment: This variant is classified as likely benign based on ACMG/AMP sequence variant interpretation guidelines (Richards et al. 2015 PMID: 25741868, with internal and published modifications).

Labcorp Genetics (formerly Invitae), Labcorp
Classification: Benign for Cohen syndrome. Last evaluated: 2025-11-18. Review status: criteria provided, single submitter. Criteria: Invitae Variant Classification Sherloc (09022015). Collection method: clinical testing. Allele origin: germline.

Dr. Peter K. Rogan Lab, Western University
No classification provided (evidence only). Condition: Colon adenocarcinoma. Review status: no classification provided. Collection method: in vitro. Allele origin: not applicable. Functional consequence: retained intron. Not counted in ClinVar's aggregate classification.